The following is an entry in ClinVar:

NM_003482.4(KMT2D):c.6589C>T (p.Pro2197Ser)

Gene: KMT2D (lysine methyltransferase 2D; minus strand). Cytogenetic location: 12q13.12.
Variant type: single nucleotide variant.
Coding change: c.6589C>T on transcript NM_003482.4 (MANE Select); coding-DNA position 6589, C replaced by T.
Protein change: p.Pro2197Ser; replaces proline 2197 with serine.
Molecular consequence: missense variant.
Genome position (GRCh38, 1-based): chr12:49,041,181, G>A on the plus strand (C>T on the coding strand, the complement: KMT2D is on the minus strand). VCF-style: chr12-49041181-G-A. GRCh37 (hg19) VCF-style: chr12-49434964-G-A.
Other names: short protein forms P2197S.
Identifiers: ClinVar variation 2127097 (VCV002127097.4), dbSNP rs1026412241, ClinGen allele CA384750377.
Genomic context (GRCh38, chr12:49,041,181, plus strand): 5'-GAGATGAGGCGCCCAGCATCGGGGGCTGCGCAGGGGCCCCCGTAGGACTAGGATAGGGGG[G>A]ATAGGTGGGCGGTGCCGTGGGGAAGCGGGGCTCCAGGGGATAGGCAGGGGCCAGTCCAAA-3'
Protein context (NP_003473.3, residues 2187-2207): PRFPTAPPTY[Pro2197Ser]PYPSPTGAPA

ClinVar aggregate classification (germline): Uncertain significance (1 of 4 stars; one submission).

Conditions:
Kabuki syndrome. Also called: NIIKAWA-KUROKI SYNDROME; Kabuki make-up syndrome. Identifiers: Orphanet 2322, MedGen C0796004, MONDO:0016512.

gnomAD v4.1: 1 of 1,518,118 alleles (0.000066%); highest among the groups gnomAD compares: Non-Finnish European, 0.000088%; no homozygotes.

Submission:

Labcorp Genetics (formerly Invitae), Labcorp
Classification: Uncertain significance for Kabuki syndrome. Last evaluated: 2022-04-16. Review status: criteria provided, single submitter. Criteria: Invitae Variant Classification Sherloc (09022015). Collection method: clinical testing. Allele origin: germline.
Comment: This variant has not been reported in the literature in individuals affected with KMT2D-related conditions. Advanced modeling of protein sequence and biophysical properties (such as structural, functional, and spatial information, amino acid conservation, physicochemical variation, residue mobility, and thermodynamic stability) performed at Invitae indicates that this missense variant is not expected to disrupt KMT2D protein function. In summary, the available evidence is currently insufficient to determine the role of this variant in disease. Therefore, it has been classified as a Variant of Uncertain Significance. This sequence change replaces proline, which is neutral and non-polar, with serine, which is neutral and polar, at codon 2197 of the KMT2D protein (p.Pro2197Ser). This variant is not present in population databases (gnomAD no frequency).